The following is an entry in ClinVar:

ClinVar aggregate classification (germline): Uncertain significance. Review status: criteria provided, multiple submitters, no conflicts (2 of 4 stars). 3 submissions from 3 submitters: Uncertain significance (3). Last evaluated 2025-09-01.

Conditions:
Inborn genetic diseases. Identifiers: MedGen C0950123, MeSH D030342.
Lethal multiple pterygium syndrome (LMPS). Identifiers: Orphanet 33108, MedGen C1854678, MONDO:0009668, OMIM 253290.

Allele frequency attached by ClinVar (database versions not stated): TOPMed 0.00002.

Submissions (3):

Ambry Genetics
Classification: Uncertain significance for Inborn genetic diseases. Last evaluated: 2025-09-01. Review status: criteria provided, single submitter. Criteria: Ambry Variant Classification Scheme 2023. Collection method: clinical testing. Allele origin: germline.

Labcorp Genetics (formerly Invitae), Labcorp
Classification: Uncertain significance for Lethal multiple pterygium syndrome. Last evaluated: 2022-10-06. Review status: criteria provided, single submitter. Criteria: Invitae Variant Classification Sherloc (09022015). Collection method: clinical testing. Allele origin: germline.
Comment: This sequence change replaces arginine, which is basic and polar, with cysteine, which is neutral and slightly polar, at codon 102 of the CHRND protein (p.Arg102Cys). In summary, the available evidence is currently insufficient to determine the role of this variant in disease. Therefore, it has been classified as a Variant of Uncertain Significance. Advanced modeling of protein sequence and biophysical properties (such as structural, functional, and spatial information, amino acid conservation, physicochemical variation, residue mobility, and thermodynamic stability) performed at Invitae indicates that this missense variant is expected to disrupt CHRND protein function. ClinVar contains an entry for this variant (Variation ID: 943386). This variant has not been reported in the literature in individuals affected with CHRND-related conditions. This variant is not present in population databases (gnomAD no frequency).

Breakthrough Genomics
Classification: Uncertain significance. Review status: criteria provided, single submitter. Criteria: ACMG Guidelines, 2015. Collection method: not provided. Allele origin: germline. Inheritance: Autosomal recessive inheritance. Affected: yes.

NM_000751.3(CHRND):c.304C>T (p.Arg102Cys)

Gene: CHRND (cholinergic receptor nicotinic delta subunit; plus strand). Cytogenetic location: 2q37.1.
Variant type: single nucleotide variant.
Coding change: c.304C>T on transcript NM_000751.3 (MANE Select); coding-DNA position 304, C replaced by T.
Protein change: p.Arg102Cys; replaces arginine 102 with cysteine.
Molecular consequence: missense variant. On other transcripts: synonymous variant (2).
Genome position (GRCh38, 1-based): chr2:232,528,322, C>T. VCF-style: chr2-232528322-C-T. GRCh37 (hg19) VCF-style: chr2-233393032-C-T.
Other names: c.304C>T (NM_000751.1); c.259C>T, p.Arg87Cys (NM_001256657.2); c.33C>T, p.Cys11= (NM_001311195.2, NM_001311196.2); short protein forms R102C, R87C.
Identifiers: ClinVar variation 943386 (VCV000943386.11), dbSNP rs775578238, ClinGen allele CA66951635.
Genomic context (GRCh38, chr2:232,528,322, plus strand): 5'-GGCTGGACAGACAACCGGCTGAAGTGGAATGCTGAAGAATTTGGAAACATCAGTGTCCTG[C>T]GCCTCCCCCCGGACATGGTGTGGCTCCCAGAGATTGTGCTGGAGAACAAGTTGAGCCAAG-3'
Protein context (NP_000742.1, residues 92-112): AEEFGNISVL[Arg102Cys]LPPDMVWLPE